The following is an entry in ClinVar:

ClinVar aggregate classification (germline): Likely benign (0 of 4 stars; one submission).

Conditions:
TOP6BL-related disorder. Also called: TOP6BL-related condition.

Allele frequency attached by ClinVar (database versions not stated): gnomAD 0.00003; gnomAD exomes 0.00005; TOPMed 0.00007; ESP Exome Variant Server 0.00008; ExAC 0.00011.
gnomAD v4.1: 84 of 1,606,418 alleles (0.0052%); highest among the groups gnomAD compares: Middle Eastern, 0.016%; no homozygotes.

Submission:

PreventionGenetics, part of Exact Sciences
Classification: Likely benign for TOP6BL-related condition. Last evaluated: 2019-06-27. Review status: no assertion criteria provided. Collection method: clinical testing. Allele origin: germline.
Comment: This variant is classified as likely benign based on ACMG/AMP sequence variant interpretation guidelines (Richards et al. 2015 PMID: 25741868, with internal and published modifications).

NM_001302084.2(TOP6BL):c.210G>A (p.Val70=)

Gene: TOP6BL (TOP6B like initiator of meiotic double strand breaks; plus strand). Cytogenetic location: 11q13.2.
Variant type: single nucleotide variant.
Coding change: c.210G>A on transcript NM_001302084.2 (MANE Select); coding-DNA position 210, G replaced by A.
Protein change: p.Val70=; no amino-acid change (valine 70 retained).
Molecular consequence: synonymous variant.
Genome position (GRCh38, 1-based): chr11:66,796,355, G>A. VCF-style: chr11-66796355-G-A. GRCh37 (hg19) VCF-style: chr11-66563826-G-A.
Other names: c.561G>A, p.Val187= (NM_024650.4).
Identifiers: ClinVar variation 3042527 (VCV003042527.2), dbSNP rs377116422, ClinGen allele CA6129924.